The following is an entry in ClinVar:

ClinVar aggregate classification (germline): Pathogenic (1 of 4 stars; one submission).

Conditions:
Tyrosinemia type II (TYRSN2). Also called: KERATOSIS PALMOPLANTARIS WITH CORNEAL DYSTROPHY; OREGON TYPE TYROSINEMIA; TAT DEFICIENCY; TYROSINE AMINOTRANSFERASE DEFICIENCY; TYROSINE TRANSAMINASE DEFICIENCY. Identifiers: Orphanet 28378, MedGen C0268487, MONDO:0010160, OMIM 276600.

Submission:

Labcorp Genetics (formerly Invitae), Labcorp
Classification: Pathogenic for Tyrosinemia type II. Last evaluated: 2021-12-15. Review status: criteria provided, single submitter. Criteria: Invitae Variant Classification Sherloc (09022015). Collection method: clinical testing. Allele origin: germline.
Comment: For these reasons, this variant has been classified as Pathogenic. This variant has not been reported in the literature in individuals affected with TAT-related conditions. This variant is a gross deletion of the genomic region encompassing exon(s) 2-3 of the TAT gene, which includes the initiator codon. This deletion extends beyond the assayed region for this gene and therefore may encompass additional genes. It is expected to result in an absent or disrupted protein product. Loss-of-function variants in TAT are known to be pathogenic (PMID: 9544843).

Literature cited by the submitters: PubMed 9544843.

NC_000016.9:g.(?_71609815)_(71610328_?)del

Gene: TAT (tyrosine aminotransferase; minus strand). Cytogenetic location: 16q22.2.
Variant type: Deletion.
Identifiers: ClinVar variation 1071272 (VCV001071272.5).